The following is an entry in ClinVar:

ClinVar aggregate classification (germline): Conflicting classifications of pathogenicity. Review status: criteria provided, conflicting classifications (1 of 4 stars). 2 submissions from 2 submitters: Uncertain significance (1); Likely benign (1). Last evaluated 2018-03-23.

Conditions:
Autosomal recessive nonsyndromic hearing loss 9. Also called: Deafness, autosomal recessive 9; NEUROSENSORY NONSYNDROMIC RECESSIVE DEAFNESS 9; OTOF-Related Hearing Loss; AUDITORY NEUROPATHY, AUTOSOMAL RECESSIVE, 1, TEMPERATURE-SENSITIVE. Identifiers: Orphanet 90636, MedGen C1832828, MONDO:0010986, OMIM 601071.

Allele frequency attached by ClinVar (database versions not stated): gnomAD exomes 0.00007 and 0.00021; ExAC 0.00025; ESP Exome Variant Server 0.00085; gnomAD 0.00087 and 0.00093; 1000 Genomes Project 0.00140; TOPMed 0.00168; 1000 Genomes Project 30x 0.00172.
gnomAD v4.1: 245 of 1,543,066 alleles (0.016%); highest among the groups gnomAD compares: African/African-American, 0.19%; 1 homozygote.

Submissions (2):

GeneDx
Classification: Likely benign. Last evaluated: 2018-03-23. Review status: criteria provided, single submitter. Criteria: GeneDx Variant Classification (06012015). Collection method: clinical testing. Allele origin: germline. Affected: yes.
Comment: This variant is considered likely benign or benign based on one or more of the following criteria: it is a conservative change, it occurs at a poorly conserved position in the protein, it is predicted to be benign by multiple in silico algorithms, and/or has population frequency not consistent with disease.

Illumina Laboratory Services, Illumina
Classification: Uncertain significance for Autosomal recessive nonsyndromic hearing loss 9. Last evaluated: 2018-01-12. Review status: criteria provided, single submitter. Criteria: ICSL Variant Classification Criteria 13 December 2019. Collection method: clinical testing. Allele origin: germline.

NM_194248.3(OTOF):c.-43T>A

Gene: OTOF (otoferlin; minus strand). Cytogenetic location: 2p23.3.
Variant type: single nucleotide variant.
Coding change: c.-43T>A on transcript NM_194248.3 (MANE Select); 43 bases upstream of the start codon, T replaced by A.
Molecular consequence: 5 prime UTR variant.
Genome position (GRCh38, 1-based): chr2:26,558,614, A>T on the plus strand (T>A on the coding strand, the complement: OTOF is on the minus strand). VCF-style: chr2-26558614-A-T. GRCh37 (hg19) VCF-style: chr2-26781482-A-T.
Other names: c.-43T>A (NM_001287489.2).
Identifiers: ClinVar variation 335464 (VCV000335464.6), dbSNP rs201812205, ClinGen allele CA1564867.